The following is an entry in ClinVar:

NM_014585.6(SLC40A1):c.5C>G (p.Thr2Ser)

Gene: SLC40A1 (solute carrier family 40 member 1; minus strand). Cytogenetic location: 2q32.2.
Variant type: single nucleotide variant.
Coding change: c.5C>G on transcript NM_014585.6 (MANE Select); coding-DNA position 5, C replaced by G.
Protein change: p.Thr2Ser; replaces threonine 2 with serine.
Molecular consequence: missense variant.
Genome position (GRCh38, 1-based): chr2:189,580,456, G>C on the plus strand (C>G on the coding strand, the complement: SLC40A1 is on the minus strand). VCF-style: chr2-189580456-G-C. GRCh37 (hg19) VCF-style: chr2-190445182-G-C.
Other names: short protein forms T2S.
Identifiers: ClinVar variation 1034696 (VCV001034696.8), dbSNP rs1424413416, ClinGen allele CA349990183.
Genomic context (GRCh38, chr2:189,580,456, plus strand): 5'-GCTTTCGGTCAACGACACTCACCACAGCATCCTCTCTGGCGGTTGTGATCTCCCGCCCTG[G>C]TCATGACACTAGGCGACCCCGCTGGCTCTTCTGCGGCTGCTATCGCTGCTGCTGCTCTCG-3'
Protein context (NP_055400.1, residues 1-12): M[Thr2Ser]RAGDHNRQRG

ClinVar aggregate classification (germline): Uncertain significance (1 of 4 stars; one submission).

Conditions:
Hemochromatosis type 4 (HFE4). Also called: Ferroportin disease; HEMOCHROMATOSIS DUE TO DEFECT IN FERROPORTIN; HEMOCHROMATOSIS, AUTOSOMAL DOMINANT. Identifiers: Orphanet 139491, Orphanet 647834, Orphanet 648562, MedGen C1853733, MONDO:0011631, OMIM 606069.

Allele frequency attached by ClinVar (database versions not stated): TOPMed below 0.00001.

Submission:

Labcorp Genetics (formerly Invitae), Labcorp
Classification: Uncertain significance for Hemochromatosis type 4. Last evaluated: 2020-09-19. Review status: criteria provided, single submitter. Criteria: Invitae Variant Classification Sherloc (09022015). Collection method: clinical testing. Allele origin: germline.
Comment: In summary, the available evidence is currently insufficient to determine the role of this variant in disease. Therefore, it has been classified as a Variant of Uncertain Significance. Algorithms developed to predict the effect of missense changes on protein structure and function output the following: SIFT: "Tolerated"; PolyPhen-2: "Benign"; Align-GVGD: "Class C0". The serine amino acid residue is found in multiple mammalian species, suggesting that this missense change does not adversely affect protein function. These predictions have not been confirmed by published functional studies and their clinical significance is uncertain. This variant has not been reported in the literature in individuals with SLC40A1-related conditions. This variant is not present in population databases (ExAC no frequency). This sequence change replaces threonine with serine at codon 2 of the SLC40A1 protein (p.Thr2Ser). The threonine residue is weakly conserved and there is a small physicochemical difference between threonine and serine.